The following is an entry in ClinVar:

NM_007118.4(TRIO):c.7189_7190delinsCGAGGGG (p.Ala2397fs)

Gene: TRIO (trio Rho guanine nucleotide exchange factor; plus strand). Cytogenetic location: 5p15.2.
Variant type: Indel.
Coding change: c.7189_7190delinsCGAGGGG on transcript NM_007118.4 (MANE Select); coding-DNA positions 7189 to 7190, GC replaced by CGAGGGG.
Protein change: p.Ala2397fs; shifts the reading frame from alanine 2397.
Molecular consequence: frameshift variant.
Genome position (GRCh38, 1-based): chr5:14,487,817-14,487,818, GC replaced by CGAGGGG. VCF-style: chr5-14487817-GC-CGAGGGG. GRCh37 (hg19) VCF-style: chr5-14487926-GC-CGAGGGG.
Other names: short protein forms A2397fs.
Identifiers: ClinVar variation 817746 (VCV000817746.1), dbSNP rs1579803563, ClinGen allele CA915943254.

ClinVar aggregate classification (germline): Likely pathogenic (1 of 4 stars; one submission).

Submission:

GeneDx
Classification: Likely pathogenic. Last evaluated: 2018-07-25. Review status: criteria provided, single submitter. Criteria: GeneDx Variant Classification (06012015). Collection method: clinical testing. Allele origin: germline. Affected: yes.
Comment: A variant that is likely pathogenic has been identified in the TRIO gene. The c.7189_7190delGCinsCGAGGGG variant has not been reported previously as a pathogenic variant nor as a benign variant, to our knowledge. This variant is not observed in large population cohorts (Lek et al., 2016). The c.7189_7190delGCinsCGAGGGG variant causes a frameshift starting with codon Alanine 2397, changes this amino acid to an Arginine residue, and creates a premature Stop codon at position 18 of the new reading frame, denoted p.Ala2397ArgfsX18. This variant is predicted to cause loss of normal protein function either through protein truncation or nonsense-mediated mRNA decay. Therefore, the c.7189_7190delGCinsCGAGGGG variant is likely pathogenic; however, the possibility that it is benign cannot be excluded.